The following is an entry in ClinVar:

NM_014822.4(SEC24D):c.2650T>C (p.Phe884Leu)

Gene: SEC24D (SEC24 homolog D, COPII coat complex component; minus strand). Cytogenetic location: 4q26.
Variant type: single nucleotide variant.
Coding change: c.2650T>C on transcript NM_014822.4 (MANE Select); coding-DNA position 2650, T replaced by C.
Protein change: p.Phe884Leu; replaces phenylalanine 884 with leucine.
Molecular consequence: missense variant.
Genome position (GRCh38, 1-based): chr4:118,732,759, A>G on the plus strand (T>C on the coding strand, the complement: SEC24D is on the minus strand). VCF-style: chr4-118732759-A-G. GRCh37 (hg19) VCF-style: chr4-119653914-A-G.
Other names: c.2653T>C, p.Phe885Leu (NM_001318066.2); c.2650T>C (NM_014822.2); short protein forms F885L, F884L.
Identifiers: ClinVar variation 1418930 (VCV001418930.4), dbSNP rs201766693, ClinGen allele CA3056920.

ClinVar aggregate classification (germline): Uncertain significance. Review status: criteria provided, multiple submitters, no conflicts (2 of 4 stars). 2 submissions from 2 submitters: Uncertain significance (2). Last evaluated 2025-01-24.

Conditions:
Inborn genetic diseases. Identifiers: MedGen C0950123, MeSH D030342.

Allele frequency attached by ClinVar (database versions not stated): gnomAD exomes 0.00001 and 0.00002; ExAC 0.00003; gnomAD 0.00007 and 0.00009; TOPMed 0.00014; 1000 Genomes Project 0.00060; 1000 Genomes Project 30x 0.00062.
gnomAD v4.1: 26 of 1,614,070 alleles (0.0016%); highest among the groups gnomAD compares: Admixed American, 0.032%; no homozygotes.

Submissions (2):

Ambry Genetics
Classification: Uncertain significance for Inborn genetic diseases. Last evaluated: 2025-01-24. Review status: criteria provided, single submitter. Criteria: Ambry Variant Classification Scheme 2023. Collection method: clinical testing. Allele origin: germline.

Labcorp Genetics (formerly Invitae), Labcorp
Classification: Uncertain significance. Last evaluated: 2022-04-17. Review status: criteria provided, single submitter. Criteria: Invitae Variant Classification Sherloc (09022015). Collection method: clinical testing. Allele origin: germline.
Comment: This sequence change replaces phenylalanine, which is neutral and non-polar, with leucine, which is neutral and non-polar, at codon 884 of the SEC24D protein (p.Phe884Leu). This variant is present in population databases (rs201766693, gnomAD 0.01%). This variant has not been reported in the literature in individuals affected with SEC24D-related conditions. Algorithms developed to predict the effect of missense changes on protein structure and function are either unavailable or do not agree on the potential impact of this missense change (SIFT: "Not Available"; PolyPhen-2: "Benign"; Align-GVGD: "Not Available"). In summary, the available evidence is currently insufficient to determine the role of this variant in disease. Therefore, it has been classified as a Variant of Uncertain Significance.